The following is an entry in ClinVar:

ClinVar aggregate classification (germline): Likely pathogenic (3 of 4 stars; one submission).

Conditions:
Monogenic diabetes. Identifiers: Orphanet 183625, MedGen C3888631, MONDO:0015967.

Submission:

ClinGen Monogenic Diabetes Variant Curation Expert Panel
Classification: Likely pathogenic for Monogenic diabetes. Last evaluated: 2025-01-24. Review status: reviewed by expert panel. Criteria: ClinGen Diabetes ACMG Specifications HNF1A V2.1.0. Collection method: curation. Allele origin: germline. Inheritance: Autosomal dominant inheritance.
Comment: The c.497dup variant in the HNF1 homeobox A gene, HNF1A, causes a frameshift in the protein leading to premature termination at codon 166 (p.Tyr166Ter) of NM_000545.8. This variant, located in biologically relevant exon 2 of 10, is predicted to lead to nonsense-mediated decay in a gene in which loss-of-function is an established disease mechanism (PVS1). This variant is absent from gnomAD v2.1.1 (PM2_Supporting). In summary c.497dup meets the criteria to be classified as likely pathogenic for monogenic diabetes. ACMG/AMP criteria applied, as specified by the ClinGen MDEP VCEP (specification version 2.1.0, approved 8/11/2023): PVS1_Strong, PM2_Supporting.

NM_000545.8(HNF1A):c.497dup (p.Tyr166Ter)

Gene: HNF1A (HNF1 homeobox A; plus strand). Cytogenetic location: 12q24.31.
Variant type: Duplication.
Coding change: c.497dup on transcript NM_000545.8 (MANE Select); coding-DNA position 497, one base duplicated (A; older notation c.497dupA).
Protein change: p.Tyr166Ter; replaces tyrosine 166 with a stop codon.
Molecular consequence: nonsense.
Genome position (GRCh38, 1-based): chr12:120,989,003, A duplicated. VCF-style (leftmost placement, unchanged base first): chr12-120989002-T-TA. GRCh37 (hg19) VCF-style: chr12-121426805-T-TA.
Other names: NM_001306179.2:c.497dup; c.497dup, p.Tyr166Ter (NM_001306179.2, NM_001406915.1); short protein forms Y166*.
Identifiers: ClinVar variation 3602128 (VCV003602128.1).